The following is an entry in ClinVar:

ClinVar aggregate classification (germline): Uncertain significance (1 of 4 stars; one submission).

Conditions:
Hereditary cancer-predisposing syndrome. Also called: Tumor predisposition; Neoplastic Syndromes, Hereditary; Hereditary neoplastic syndrome; Hereditary Cancer Syndrome. Identifiers: Orphanet 140162, MedGen C0027672, MeSH D009386, MONDO:0015356.

Submission:

Ambry Genetics
Classification: Uncertain significance for Hereditary cancer-predisposing syndrome. Last evaluated: 2024-11-17. Review status: criteria provided, single submitter. Criteria: Ambry Variant Classification Scheme 2023. Collection method: clinical testing. Allele origin: germline.
Comment: The p.V219A variant (also known as c.656T>C), located in coding exon 5 of the TSC1 gene, results from a T to C substitution at nucleotide position 656. The valine at codon 219 is replaced by alanine, an amino acid with similar properties. This amino acid position is conserved. In addition, this alteration is predicted to be deleterious by in silico analysis. Based on the available evidence, the clinical significance of this variant remains unclear.

NM_000368.5(TSC1):c.656T>C (p.Val219Ala)

Gene: TSC1 (TSC complex subunit 1; minus strand). Cytogenetic location: 9q34.13.
Variant type: single nucleotide variant.
Coding change: c.656T>C on transcript NM_000368.5 (MANE Select); coding-DNA position 656, T replaced by C.
Protein change: p.Val219Ala; replaces valine 219 with alanine.
Molecular consequence: missense variant. On other transcripts: 5 prime UTR variant (5), non-coding transcript variant (5).
Genome position (GRCh38, 1-based): chr9:132,921,826, A>G on the plus strand (T>C on the coding strand, the complement: TSC1 is on the minus strand). VCF-style: chr9-132921826-A-G. GRCh37 (hg19) VCF-style: chr9-135797213-A-G.
Other names: c.656T>C, p.Val219Ala (NM_001162426.2, NM_001406592.1, NM_001406593.1 and 16 more transcripts); c.503T>C, p.Val168Ala (NM_001162427.2, NM_001406610.1, NM_001406611.1 and 2 more transcripts); c.293T>C, p.Val98Ala (NM_001362177.2, NM_001406614.1, NM_001406615.1 and 10 more transcripts); c.-222T>C (NM_001406626.1, NM_001406627.1, NM_001406628.1); c.-364T>C (NM_001406629.1); c.-438T>C (NM_001406630.1); short protein forms V168A, V98A, V219A.
Identifiers: ClinVar variation 3462500 (VCV003462500.1).
Genomic context (GRCh38, chr9:132,921,826, plus strand): 5'-AGCCTATCTAAACAGTATACTAAGTAGCAAACAAACAAGCAGTTTCAATTTACCTTGACC[A>G]CTTCTTCAAAAGTCTCCAGGTTTTCTTTCATACTGTAATGAGAACGCAAAAAGGAGACGA-3'
Protein context (NP_000359.1, residues 209-229): MKENLETFEE[Val219Ala]VKPMMEHVRI